The following is an entry in ClinVar:

NM_004393.6(DAG1):c.2026G>C (p.Gly676Arg)

Gene: DAG1 (dystroglycan 1; plus strand). Cytogenetic location: 3p21.31.
Variant type: single nucleotide variant.
Coding change: c.2026G>C on transcript NM_004393.6 (MANE Select); coding-DNA position 2026, G replaced by C.
Protein change: p.Gly676Arg; replaces glycine 676 with arginine.
Molecular consequence: missense variant.
Genome position (GRCh38, 1-based): chr3:49,532,537, G>C. VCF-style: chr3-49532537-G-C. GRCh37 (hg19) VCF-style: chr3-49569970-G-C.
Other names: c.2026G>C (NM_004393.4); c.2026G>C, p.Gly676Arg (NM_001165928.4, NM_001177634.3, NM_001177635.3 and 9 more transcripts); short protein forms G676R.
Identifiers: ClinVar variation 1483294 (VCV001483294.7), dbSNP rs757032530, ClinGen allele CA2399191.
Genomic context (GRCh38, chr3:49,532,537, plus strand): 5'-GTGGTGGAATGGACCAACAACACACTGCCCTTGGAGCCCTGCCCCAAGGAGCAGATCGCT[G>C]GGCTGAGCCGCCGGATCGCTGAGGATGATGGAAAACCTCGGCCTGCCTTCTCCAACGCCC-3'
Protein context (NP_004384.5, residues 666-686): LEPCPKEQIA[Gly676Arg]LSRRIAEDDG

ClinVar aggregate classification (germline): Uncertain significance. Review status: criteria provided, multiple submitters, no conflicts (2 of 4 stars). 3 submissions from 3 submitters: Uncertain significance (3). Last evaluated 2025-02-25.

Conditions:
Muscular dystrophy-dystroglycanopathy (congenital with brain and eye anomalies), type A9. Also called: Muscular dystrophy-dystroglycanopathy (congenital with brain and eye anomalies), type a, 9; WALKER-WARBURG SYNDROME OR MUSCLE-EYE BRAIN DISEASE, DAG1-RELATED. Identifiers: Orphanet 370997, Orphanet 899, MedGen C4225291, MONDO:0014683, OMIM 616538.
Autosomal recessive limb-girdle muscular dystrophy type 2P. Also called: MUSCULAR DYSTROPHY, LIMB-GIRDLE, TYPE 2P; Limb-Girdle Muscular Dystrophy Type 9C; MUSCULAR DYSTROPHY-DYSTROGLYCANOPATHY, LIMB-GIRDLE, DAG1-RELATED. Identifiers: Orphanet 280333, MedGen C4511963, MONDO:0013440, OMIM 613818.
Inborn genetic diseases. Identifiers: MedGen C0950123, MeSH D030342.

Allele frequency attached by ClinVar (database versions not stated): gnomAD exomes 0.00001 and 0.00004; ExAC 0.00002; TOPMed 0.00003.
gnomAD v4.1: 13 of 1,613,624 alleles (0.00081%); highest among the groups gnomAD compares: Admixed American, 0.012%; no homozygotes.

Submissions (3):

Ambry Genetics
Classification: Uncertain significance for Inborn genetic diseases. Last evaluated: 2025-02-25. Review status: criteria provided, single submitter. Criteria: Ambry Variant Classification Scheme 2023. Collection method: clinical testing. Allele origin: germline.

Labcorp Genetics (formerly Invitae), Labcorp
Classification: Uncertain significance for Autosomal recessive limb-girdle muscular dystrophy type 2P; Muscular dystrophy-dystroglycanopathy (congenital with brain and eye anomalies), type A9. Last evaluated: 2022-08-23. Review status: criteria provided, single submitter. Criteria: Invitae Variant Classification Sherloc (09022015). Collection method: clinical testing. Allele origin: germline.
Comment: This sequence change replaces glycine, which is neutral and non-polar, with arginine, which is basic and polar, at codon 676 of the DAG1 protein (p.Gly676Arg). This variant is present in population databases (rs757032530, gnomAD 0.01%). This variant has not been reported in the literature in individuals affected with DAG1-related conditions. ClinVar contains an entry for this variant (Variation ID: 1483294). Algorithms developed to predict the effect of missense changes on protein structure and function (SIFT, PolyPhen-2, Align-GVGD) all suggest that this variant is likely to be tolerated. In summary, the available evidence is currently insufficient to determine the role of this variant in disease. Therefore, it has been classified as a Variant of Uncertain Significance.

Revvity Omics, Revvity
Classification: Uncertain significance. Last evaluated: 2019-06-04. Review status: criteria provided, single submitter. Criteria: ACMG Guidelines, 2015. Collection method: clinical testing. Allele origin: germline.